The following is an entry in ClinVar:

NM_001040108.2(MLH3):c.3876A>G (p.Pro1292=)

Gene: MLH3 (mutL homolog 3; minus strand). Cytogenetic location: 14q24.3.
Variant type: single nucleotide variant.
Coding change: c.3876A>G on transcript NM_001040108.2 (MANE Select); coding-DNA position 3876, A replaced by G.
Protein change: p.Pro1292=; no amino-acid change (proline 1292 retained).
Molecular consequence: synonymous variant.
Genome position (GRCh38, 1-based): chr14:75,030,654, T>C on the plus strand (A>G on the coding strand, the complement: MLH3 is on the minus strand). VCF-style: chr14-75030654-T-C. GRCh37 (hg19) VCF-style: chr14-75497357-T-C.
Other names: c.3804A>G, p.Pro1268= (NM_014381.3).
Identifiers: ClinVar variation 1735748 (VCV001735748.3), dbSNP rs375405751, ClinGen allele CA7275306.
Genomic context (GRCh38, chr14:75,030,654, plus strand): 5'-TTCTCTTTCCACAAAACATAGTGGTACTTTTCCCACAAGGACCAGAGAATCACTAGTGTC[T>C]GGAAATACAAATTCAAGGCCCAGATCTTCCAGATTTTTGTGGTAACACCTAAAGAGATAA-3'
Protein context (NP_001035197.1, residues 1282-1302): LEDLGLEFVF[Pro1292=]DTSDSLVLVG

ClinVar aggregate classification (germline): Benign/Likely benign. Review status: criteria provided, multiple submitters, no conflicts (2 of 4 stars). 2 submissions from 2 submitters: Benign (1); Likely benign (1). Last evaluated 2026-05-06.

Conditions:
Colorectal cancer, hereditary nonpolyposis, type 7. Identifiers: Orphanet 144, MedGen C1858380, MONDO:0013725, OMIM 614385.

Allele frequency attached by ClinVar (database versions not stated): gnomAD 0.00001; ESP Exome Variant Server 0.00008; TOPMed 0.00001; gnomAD exomes below 0.00001; ExAC 0.00001.
gnomAD v4.1: 7 of 1,613,870 alleles (0.00043%); highest among the groups gnomAD compares: African/African-American, 0.0013%; no homozygotes.

Submissions (2):

Myriad Genetics, Inc.
Classification: Benign for Colorectal cancer, hereditary nonpolyposis, type 7. Last evaluated: 2026-05-06. Review status: criteria provided, single submitter. Criteria: Myriad Autosomal Dominant, Autosomal Recessive and X-Linked Classification Criteria (2023). Collection method: clinical testing. Allele origin: unknown.
Comment: This variant is considered benign. This variant is a silent/synonymous amino acid change and it is not expected to impact splicing.

Ambry Genetics
Classification: Likely benign. Last evaluated: 2019-07-10. Review status: criteria provided, single submitter. Criteria: Ambry Variant Classification Scheme 2023. Collection method: clinical testing. Allele origin: germline.